The following is an entry in ClinVar:

ClinVar aggregate classification (germline): Uncertain significance. Review status: criteria provided, multiple submitters, no conflicts (2 of 4 stars). 2 submissions from 2 submitters: Uncertain significance (2). Last evaluated 2025-06-08.

Conditions:
Inborn genetic diseases. Identifiers: MedGen C0950123, MeSH D030342.

Allele frequency attached by ClinVar (database versions not stated): TOPMed 0.00001.
gnomAD v4.1: 2 of 1,614,190 alleles (0.00012%); highest among the groups gnomAD compares: East Asian, 0.0022%; no homozygotes.

Submissions (2):

Ambry Genetics
Classification: Uncertain significance for Inborn genetic diseases. Last evaluated: 2025-06-08. Review status: criteria provided, single submitter. Criteria: Ambry Variant Classification Scheme 2023. Collection method: clinical testing. Allele origin: germline.

ARUP Laboratories, Molecular Genetics and Genomics, ARUP Laboratories
Classification: Uncertain significance. Last evaluated: 2018-10-02. Review status: criteria provided, single submitter. Criteria: ARUP Molecular Germline Variant Investigation Process. Collection method: clinical testing. Allele origin: germline.
Comment: The FLNB c.2642A>G; p.Asn881Ser variant, to our knowledge, is not reported in the medical literature or gene specific databases. This variant is found on two chromosomes in the Genome Aggregation Database, indicating it is not a common polymorphism. The asparagine at codon 881 is moderately conserved, but computational analyses (SIFT, PolyPhen-2) predict that this variant is tolerated. However, due to limited information, the clinical significance of the p.Asn881Ser variant is uncertain at this time.

NM_001457.4(FLNB):c.2642A>G (p.Asn881Ser)

Gene: FLNB (filamin B; plus strand). Cytogenetic location: 3p14.3.
Variant type: single nucleotide variant.
Coding change: c.2642A>G on transcript NM_001457.4 (MANE Select); coding-DNA position 2642, A replaced by G.
Protein change: p.Asn881Ser; replaces asparagine 881 with serine.
Molecular consequence: missense variant.
Genome position (GRCh38, 1-based): chr3:58,112,215, A>G. VCF-style: chr3-58112215-A-G. GRCh37 (hg19) VCF-style: chr3-58097942-A-G.
Other names: c.2642A>G, p.Asn881Ser (NM_001164317.2, NM_001164318.2, NM_001164319.2); c.2642A>G (NM_001457.3); short protein forms N881S.
Identifiers: ClinVar variation 811771 (VCV000811771.9), dbSNP rs1199239072, ClinGen allele CA353345873.